The following is an entry in ClinVar:

ClinVar aggregate classification (germline): Pathogenic (1 of 4 stars; one submission).

Conditions:
Mucopolysaccharidosis, MPS-II (MPS2). Also called: IDURONATE 2-SULFATASE DEFICIENCY; Mucopolysaccharidosis Type II; Mucopolysaccharidosis type 2; IDS deficiency; Sulfoiduronate sulfatase deficiency; SIDS deficiency. Identifiers: Orphanet 580, Orphanet 79388, MedGen C0026705, MONDO:0010674, OMIM 309900.

Submission:

Labcorp Genetics (formerly Invitae), Labcorp
Classification: Pathogenic for Mucopolysaccharidosis, MPS-II. Last evaluated: 2021-08-27. Review status: criteria provided, single submitter. Criteria: Invitae Variant Classification Sherloc (09022015). Collection method: clinical testing. Allele origin: germline.
Comment: For these reasons, this variant has been classified as Pathogenic. This variant disrupts a region of the IDS protein in which other variant(s) (p.Glu521Lys) have been determined to be pathogenic (PMID: 9266380, 11462244, 28543354). This suggests that this is a clinically significant region of the protein, and that variants that disrupt it are likely to be disease-causing. This variant has not been reported in the literature in individuals affected with IDS-related conditions. This variant is not present in population databases (ExAC no frequency). This sequence change creates a premature translational stop signal (p.Glu521Glyfs*8) in the IDS gene. While this is not anticipated to result in nonsense mediated decay, it is expected to disrupt the last 30 amino acid(s) of the IDS protein.

Literature cited by the submitters: PubMed 9266380; PubMed 11462244; PubMed 28543354.

NM_000202.8(IDS):c.1561dup (p.Glu521fs)

Gene: IDS (iduronate 2-sulfatase; minus strand). Cytogenetic location: Xq28.
Variant type: Duplication.
Coding change: c.1561dup on transcript NM_000202.8 (MANE Select); coding-DNA position 1561, one base duplicated (G; older notation c.1561dupG).
Protein change: p.Glu521fs; shifts the reading frame from glutamic acid 521.
Molecular consequence: frameshift variant.
Genome position (GRCh38, 1-based): chrX:149,482,838, C duplicated on the plus strand (G on the coding strand, the reverse complement: IDS is on the minus strand); the first of 4 consecutive C bases (chrX:149,482,838-149,482,841); duplicating any one gives the same sequence. VCF-style (leftmost placement, unchanged base first): chrX-149482837-T-TC. GRCh37 (hg19) VCF-style: chrX-148564368-T-TC.
Other names: c.1291dup, p.Glu431fs (NM_001166550.4); short protein forms E521fs, E431fs.
Identifiers: ClinVar variation 1432854 (VCV001432854.6), dbSNP rs2124648304, ClinGen allele CA2573159287.
Genomic context (GRCh38, chrX:149,482,837, plus strand): 5'-CCTTGGGAATCATTATACATATTGTGATCCTGCAATGGGTCAGAATCCACAAAATACAGT[T>TC]CCCCTGCATGGATGTCAGAAAAGTTAGCTAGAAATTCATCAGGATTGAAGCCAACCCACA-3'